The following is an entry in ClinVar:

ClinVar aggregate classification (germline): Pathogenic (1 of 4 stars; one submission).

Conditions:
Mucolipidosis type II. Also called: ML II ALPHA/BETA; Mucolipidosis 2; ML 2; Inclusion cell disease; Leroy Disease; N-acetylglucosamine 1phosphotransferase deficiency. Identifiers: Orphanet 576, MedGen C2673377, MONDO:0009650, OMIM 252500.
Pseudo-Hurler polydystrophy. Also called: ML III; ML III ALPHA/BETA; Type III Mucolipidosis; ML IIIA; Mucolipidosis III Alpha/Beta; MUCOLIPIDOSIS IIIA. Identifiers: Orphanet 423461, Orphanet 577, MedGen C0033788, MONDO:0018931, OMIM 252600.

Submission:

Labcorp Genetics (formerly Invitae), Labcorp
Classification: Pathogenic for Pseudo-Hurler polydystrophy; Mucolipidosis type II. Last evaluated: 2023-12-30. Review status: criteria provided, single submitter. Criteria: Invitae Variant Classification Sherloc (09022015). Collection method: clinical testing. Allele origin: germline.
Comment: This sequence change creates a premature translational stop signal (p.Asp706Thrfs*4) in the GNPTAB gene. It is expected to result in an absent or disrupted protein product. Loss-of-function variants in GNPTAB are known to be pathogenic (PMID: 19617216, 25107912). This variant is not present in population databases (gnomAD no frequency). This variant has not been reported in the literature in individuals affected with GNPTAB-related conditions. For these reasons, this variant has been classified as Pathogenic.

Literature cited by the submitters: PubMed 19617216; PubMed 25107912.

NM_024312.5(GNPTAB):c.2115del (p.Asp706fs)

Gene: GNPTAB (N-acetylglucosamine-1-phosphate transferase subunits alpha and beta; minus strand). Cytogenetic location: 12q23.2.
Variant type: Deletion.
Coding change: c.2115del on transcript NM_024312.5 (MANE Select); coding-DNA position 2115, one base deleted (A; older notation c.2115delA).
Protein change: p.Asp706fs; shifts the reading frame from aspartic acid 706.
Molecular consequence: frameshift variant.
Genome position (GRCh38, 1-based): chr12:101,764,802, T deleted on the plus strand (A on the coding strand, the reverse complement: GNPTAB is on the minus strand); the first of 4 consecutive T bases (chr12:101,764,802-101,764,805); deleting any one gives the same sequence. VCF-style (leftmost placement, unchanged base first): chr12-101764801-CT-C. GRCh37 (hg19) VCF-style: chr12-102158579-CT-C.
Other names: short protein forms D706fs.
Identifiers: ClinVar variation 2921794 (VCV002921794.3), dbSNP rs2547957334, ClinGen allele CA2740092578.